The following is an entry in ClinVar:

NM_000142.5(FGFR3):c.418G>A (p.Glu140Lys)

Gene: FGFR3 (fibroblast growth factor receptor 3; plus strand). Cytogenetic location: 4p16.3.
Variant type: single nucleotide variant.
Coding change: c.418G>A on transcript NM_000142.5 (MANE Select); coding-DNA position 418, G replaced by A.
Protein change: p.Glu140Lys; replaces glutamic acid 140 with lysine.
Molecular consequence: missense variant. On other transcripts: non-coding transcript variant (1).
Genome position (GRCh38, 1-based): chr4:1,799,785, G>A. VCF-style: chr4-1799785-G-A. GRCh37 (hg19) VCF-style: chr4-1801512-G-A.
Other names: c.418G>A, p.Glu140Lys (NM_001163213.2, NM_001354809.2, NM_001354810.2 and 1 more transcripts); c.418G>A (NM_000142.4); short protein forms E140K.
Identifiers: ClinVar variation 1680005 (VCV001680005.8), dbSNP rs542749920, ClinGen allele CA2809813.
Genomic context (GRCh38, chr4:1,799,785, plus strand): 5'-TGCGGCCATCTCTGCCTTGCAGACGCTCCATCCTCGGGAGATGACGAAGACGGGGAGGAC[G>A]AGGCTGAGGACACAGGTGTGGACACAGGTAGGAGCAGGGTCCAGGGTTCAGGCCAGCCGG-3'
Protein context (NP_000133.1, residues 130-150): SSGDDEDGED[Glu140Lys]AEDTGVDTGA

ClinVar aggregate classification (germline): Uncertain significance. Review status: criteria provided, multiple submitters, no conflicts (2 of 4 stars). 2 submissions from 2 submitters: Uncertain significance (2). Last evaluated 2025-11-25.

Conditions:
FGFR3-related disorder. Also called: FGFR3-related disorders.

Allele frequency attached by ClinVar (database versions not stated): TOPMed 0.00003; gnomAD 0.00005.

Submissions (2):

Labcorp Genetics (formerly Invitae), Labcorp
Classification: Uncertain significance. Last evaluated: 2025-11-25. Review status: criteria provided, single submitter. Criteria: Invitae Variant Classification Sherloc (09022015). Collection method: clinical testing. Allele origin: germline.
Comment: This sequence change replaces glutamic acid, which is acidic and polar, with lysine, which is basic and polar, at codon 140 of the FGFR3 protein (p.Glu140Lys). This variant is present in population databases (rs542749920, gnomAD 0.009%). This variant has not been reported in the literature in individuals affected with FGFR3-related conditions. ClinVar contains an entry for this variant (Variation ID: 1680005). Invitae Evidence Modeling of protein sequence and biophysical properties (such as structural, functional, and spatial information, amino acid conservation, physicochemical variation, residue mobility, and thermodynamic stability) indicates that this missense variant is not expected to disrupt FGFR3 protein function with a negative predictive value of 80%. In summary, the available evidence is currently insufficient to determine the role of this variant in disease. Therefore, it has been classified as a Variant of Uncertain Significance.

PreventionGenetics, part of Exact Sciences
Classification: Uncertain significance for FGFR3-related condition. Last evaluated: 2024-10-17. Review status: criteria provided, single submitter. Criteria: ACMG Guidelines, 2015. Collection method: clinical testing. Allele origin: germline.
Comment: The FGFR3 c.418G>A variant is predicted to result in the amino acid substitution p.Glu140Lys. To our knowledge, this variant has not been reported in the literature. This variant is reported in 0.0094% of alleles in individuals of European (Non-Finnish) descent in gnomAD. At this time, the clinical significance of this variant is uncertain due to the absence of conclusive functional and genetic evidence.